The following is an entry in ClinVar:

ClinVar aggregate classification (germline): Uncertain significance. Review status: criteria provided, multiple submitters, no conflicts (2 of 4 stars). 2 submissions from 2 submitters: Uncertain significance (2). Last evaluated 2025-08-24.

Conditions:
Inborn genetic diseases. Identifiers: MedGen C0950123, MeSH D030342.

Submissions (2):

Ambry Genetics
Classification: Uncertain significance for Inborn genetic diseases. Last evaluated: 2025-08-24. Review status: criteria provided, single submitter. Criteria: Ambry Variant Classification Scheme 2023. Collection method: clinical testing. Allele origin: germline.

Labcorp Genetics (formerly Invitae), Labcorp
Classification: Uncertain significance. Last evaluated: 2025-01-19. Review status: criteria provided, single submitter. Criteria: Invitae Variant Classification Sherloc (09022015). Collection method: clinical testing. Allele origin: germline.
Comment: This sequence change replaces serine, which is neutral and polar, with leucine, which is neutral and non-polar, at codon 59 of the TYRP1 protein (p.Ser59Leu). This variant is present in population databases (no rsID available, gnomAD 0.003%). This variant has not been reported in the literature in individuals affected with TYRP1-related conditions. Invitae Evidence Modeling of protein sequence and biophysical properties (such as structural, functional, and spatial information, amino acid conservation, physicochemical variation, residue mobility, and thermodynamic stability) indicates that this missense variant is not expected to disrupt TYRP1 protein function with a negative predictive value of 80%. In summary, the available evidence is currently insufficient to determine the role of this variant in disease. Therefore, it has been classified as a Variant of Uncertain Significance.

NM_000550.3(TYRP1):c.176C>T (p.Ser59Leu)

Gene: TYRP1 (tyrosinase related protein 1; plus strand). Cytogenetic location: 9p23.
Variant type: single nucleotide variant.
Coding change: c.176C>T on transcript NM_000550.3 (MANE Select); coding-DNA position 176, C replaced by T.
Protein change: p.Ser59Leu; replaces serine 59 with leucine.
Molecular consequence: missense variant.
Genome position (GRCh38, 1-based): chr9:12,694,172, C>T. VCF-style: chr9-12694172-C-T. GRCh37 (hg19) VCF-style: chr9-12694172-C-T.
Other names: c.176C>T (NM_000550.2); short protein forms S59L.
Identifiers: ClinVar variation 3693851 (VCV003693851.3).
Genomic context (GRCh38, chr9:12,694,172, plus strand): 5'-GTATGTGTTGCCCAGACCTGTCCCCTGTGTCTGGGCCTGGGACAGACCGCTGTGGCTCAT[C>T]ATCAGGGAGGGGCAGATGTGAGGCAGTGACTGCAGACTCCCGGCCCCACAGCCCTCAGTA-3'
Protein context (NP_000541.1, residues 49-69): SGPGTDRCGS[Ser59Leu]SGRGRCEAVT